The following is an entry in ClinVar:

ClinVar aggregate classification (germline): Uncertain significance. Review status: criteria provided, multiple submitters, no conflicts (2 of 4 stars). 3 submissions from 3 submitters: Uncertain significance (3). Last evaluated 2024-07-10.

Conditions:
Cardiovascular phenotype. Identifiers: MedGen CN230736.
Arrhythmogenic cardiomyopathy with wooly hair and keratoderma. Also called: Arrhythmogenic cardiomyopathy with woolly hair and keratoderma; Dilated cardiomyopathy with woolly hair and keratoderma; PALMOPLANTAR KERATODERMA WITH LEFT VENTRICULAR CARDIOMYOPATHY AND WOOLLY HAIR; Carvajal syndrome. Identifiers: Orphanet 65282, MedGen C1854063, MONDO:0011581, OMIM 605676.
Arrhythmogenic right ventricular dysplasia 8 (ARVD8). Also called: Arrhythmogenic Right Ventricular Dysplasia/Cardiomyopathy 8; ARRHYTHMOGENIC RIGHT VENTRICULAR CARDIOMYOPATHY 8; ARRHYTHMOGENIC RIGHT VENTRICULAR DYSPLASIA, FAMILIAL, 8. Identifiers: MedGen C1843896, MONDO:0011831, OMIM 607450.
Cardiomyopathy (CMYO). Also called: Cardiomyopathies. Identifiers: Orphanet 167848, MedGen C0878544, MONDO:0004994, HP:0001638. Inheritance: Various modes of inheritance.

Allele frequency attached by ClinVar (database versions not stated): ExAC 0.00001; gnomAD exomes 0.00001; TOPMed 0.00001.
gnomAD v4.1: 8 of 1,614,096 alleles (0.0005%); highest among the groups gnomAD compares: Non-Finnish European, 0.00068%; no homozygotes.

Submissions (3):

Color Diagnostics, LLC DBA Color Health
Classification: Uncertain significance for Cardiomyopathy. Last evaluated: 2024-07-10. Review status: criteria provided, single submitter. Criteria: ACMG Guidelines, 2015. Collection method: clinical testing. Allele origin: germline.
Comment: This missense variant replaces arginine with tryptophan at codon 1558 of the DSP protein. Computational prediction suggests that this variant may not impact protein structure and function. To our knowledge, functional studies have not been reported for this variant. This variant has not been reported in individuals affected with DSP-related disorders in the literature. This variant has been identified in 1/250192 chromosomes in the general population by the Genome Aggregation Database (gnomAD). The available evidence is insufficient to determine the role of this variant in disease conclusively. Therefore, this variant is classified as a Variant of Uncertain Significance.

Labcorp Genetics (formerly Invitae), Labcorp
Classification: Uncertain significance for Arrhythmogenic cardiomyopathy with wooly hair and keratoderma; Arrhythmogenic right ventricular dysplasia 8. Last evaluated: 2023-12-05. Review status: criteria provided, single submitter. Criteria: Invitae Variant Classification Sherloc (09022015). Collection method: clinical testing. Allele origin: germline.
Comment: This sequence change replaces arginine, which is basic and polar, with tryptophan, which is neutral and slightly polar, at codon 1558 of the DSP protein (p.Arg1558Trp). This variant is present in population databases (rs777102300, gnomAD 0.0009%). This variant has not been reported in the literature in individuals affected with DSP-related conditions. ClinVar contains an entry for this variant (Variation ID: 1742337). An algorithm developed to predict the effect of missense changes on protein structure and function (PolyPhen-2) suggests that this variant is likely to be disruptive. In summary, the available evidence is currently insufficient to determine the role of this variant in disease. Therefore, it has been classified as a Variant of Uncertain Significance.

Ambry Genetics
Classification: Uncertain significance for Cardiovascular phenotype. Last evaluated: 2022-10-09. Review status: criteria provided, single submitter. Criteria: Ambry Variant Classification Scheme 2023. Collection method: clinical testing. Allele origin: germline.
Comment: The p.R1558W variant (also known as c.4672C>T), located in coding exon 23 of the DSP gene, results from a C to T substitution at nucleotide position 4672. The arginine at codon 1558 is replaced by tryptophan, an amino acid with dissimilar properties. This amino acid position is conserved. In addition, the in silico prediction for this alteration is inconclusive. Since supporting evidence is limited at this time, the clinical significance of this alteration remains unclear.

NM_004415.4(DSP):c.4672C>T (p.Arg1558Trp)

Gene: DSP (desmoplakin; plus strand). Cytogenetic location: 6p24.3.
Variant type: single nucleotide variant.
Coding change: c.4672C>T on transcript NM_004415.4 (MANE Select); coding-DNA position 4672, C replaced by T.
Protein change: p.Arg1558Trp; replaces arginine 1558 with tryptophan.
Molecular consequence: missense variant. On other transcripts: intron variant (2).
Genome position (GRCh38, 1-based): chr6:7,580,862, C>T. VCF-style: chr6-7580862-C-T. GRCh37 (hg19) VCF-style: chr6-7581095-C-T.
Other names: c.4050+622C>T (NM_001319034.2); c.3582+1090C>T (NM_001008844.3); short protein forms R1558W.
Identifiers: ClinVar variation 1742337 (VCV001742337.8), dbSNP rs777102300, ClinGen allele CA042418.